The following is an entry in ClinVar:

NM_001267550.2(TTN):c.73390C>T (p.Arg24464Trp)

Genes: TTN-AS1 (TTN antisense RNA 1; plus strand), TTN (titin; minus strand). Cytogenetic location: 2q31.2.
Variant type: single nucleotide variant.
Coding change: c.73390C>T on transcript NM_001267550.2 (MANE Select); coding-DNA position 73390, C replaced by T.
Protein change: p.Arg24464Trp; replaces arginine 24464 with tryptophan.
Molecular consequence: missense variant.
Genome position (GRCh38, 1-based): chr2:178,572,742, G>A on the plus strand (C>T on the coding strand, the complement: TTN is on the minus strand). VCF-style: chr2-178572742-G-A. GRCh37 (hg19) VCF-style: chr2-179437469-G-A.
Other names: c.65686C>T, p.Arg21896Trp (NM_133378.4); c.68467C>T, p.Arg22823Trp (NM_001256850.1); c.46195C>T, p.Arg15399Trp (NM_003319.4); c.46570C>T, p.Arg15524Trp (NM_133432.3); c.46771C>T, p.Arg15591Trp (NM_133437.4); short protein forms R21896W, R24464W, R22823W, R15524W, R15399W, R15591W.
Identifiers: ClinVar variation 165842 (VCV000165842.7), dbSNP rs369098292, ClinGen allele CA178510.

ClinVar aggregate classification (germline): Uncertain significance. Review status: criteria provided, multiple submitters, no conflicts (2 of 4 stars). 2 submissions from 2 submitters: Uncertain significance (2). Last evaluated 2020-03-17.

Conditions:
Cardiovascular phenotype. Identifiers: MedGen CN230736.

Allele frequency attached by ClinVar (database versions not stated): gnomAD exomes below 0.00001 and 0.00001; gnomAD 0.00001; ExAC 0.00002; TOPMed 0.00002; ESP Exome Variant Server 0.00008.
gnomAD v4.1: 8 of 1,613,294 alleles (0.0005%); highest among the groups gnomAD compares: South Asian, 0.0033%; no homozygotes.

Submissions (2):

Ambry Genetics
Classification: Uncertain significance for Cardiovascular phenotype. Last evaluated: 2020-03-17. Review status: criteria provided, single submitter. Criteria: Ambry Variant Classification Scheme 2023. Collection method: clinical testing. Allele origin: germline.
Comment: The p.R15399W variant (also known as c.46195C>T), located in coding exon 153 of the TTN gene, results from a C to T substitution at nucleotide position 46195. The arginine at codon 15399 is replaced by tryptophan, an amino acid with dissimilar properties. This amino acid position is highly conserved in available vertebrate species. In addition, this alteration is predicted to be tolerated by in silico analysis. Since supporting evidence is limited at this time, the clinical significance of this alteration remains unclear.

Laboratory for Molecular Medicine, Mass General Brigham Personalized Medicine
Classification: Uncertain significance. Last evaluated: 2014-11-17. Review status: criteria provided, single submitter. Criteria: LMM Criteria. Collection method: clinical testing. Allele origin: germline. Observed: 1 variant allele.
Comment: The p.Arg21896Trp variant in TTN has not been previously reported in individuals with cardiomyopathy, but has been identified in 1/3828 of African American chro mosomes by the NHLBI Exome Sequencing Project (dbSNP rs369098292). Computational prediction tools and conservation analysis s uggest that this variant may impact the protein, though this information is not predictive enough to determine pathogenicity. In summary, the clinical significa nce of the p.Arg21896Trp variant is uncertain.